The following is an entry in ClinVar:

NM_001194998.2(CEP152):c.2038C>T (p.Gln680Ter)

Gene: CEP152 (centrosomal protein 152; minus strand). Cytogenetic location: 15q21.1.
Variant type: single nucleotide variant.
Coding change: c.2038C>T on transcript NM_001194998.2 (MANE Select); coding-DNA position 2038, C replaced by T.
Protein change: p.Gln680Ter; replaces glutamine 680 with a stop codon.
Molecular consequence: nonsense.
Genome position (GRCh38, 1-based): chr15:48,767,444, G>A on the plus strand (C>T on the coding strand, the complement: CEP152 is on the minus strand). VCF-style: chr15-48767444-G-A. GRCh37 (hg19) VCF-style: chr15-49059641-G-A.
Other names: c.2038C>T, p.Gln680Ter (NM_014985.4); short protein forms Q680*.
Identifiers: ClinVar variation 265076 (VCV000265076.5), dbSNP rs886039327, ClinGen allele CA10588590.

ClinVar aggregate classification (germline): Pathogenic. Review status: criteria provided, multiple submitters, no conflicts (2 of 4 stars). 2 submissions from 2 submitters: Pathogenic (2). Last evaluated 2024-03-16.

Allele frequency attached by ClinVar (database versions not stated): TOPMed below 0.00001; gnomAD 0.00001.
gnomAD v4.1: 1 of 1,613,970 alleles (0.000062%); no homozygotes.

Submissions (2):

Labcorp Genetics (formerly Invitae), Labcorp
Classification: Pathogenic. Last evaluated: 2024-03-16. Review status: criteria provided, single submitter. Criteria: Invitae Variant Classification Sherloc (09022015). Collection method: clinical testing. Allele origin: germline.
Comment: This sequence change creates a premature translational stop signal (p.Gln680*) in the CEP152 gene. It is expected to result in an absent or disrupted protein product. Loss-of-function variants in CEP152 are known to be pathogenic (PMID: 21131973). This variant is not present in population databases (gnomAD no frequency). This variant has not been reported in the literature in individuals affected with CEP152-related conditions. ClinVar contains an entry for this variant (Variation ID: 265076). For these reasons, this variant has been classified as Pathogenic.

GeneDx
Classification: Pathogenic. Last evaluated: 2015-03-30. Review status: criteria provided, single submitter. Criteria: GeneDx Variant Classification (06012015). Collection method: clinical testing. Allele origin: germline. Affected: yes.
Comment: The Q680X nonsense pathogenic variant in the CEP152 gene is predicted to cause loss of normal protein function either through protein truncation or nonsense-mediated mRNA decay. The Q680X pathogenic variant was not observed in approximately 6,200 individuals of European and African American ancestry in the NHLBI Exome Sequencing Project, indicating it is not a common benign variant in these populations.

Literature cited by the submitters: PubMed 21131973 (cited by Labcorp Genetics (formerly Invitae), Labcorp).